The following is an entry in ClinVar:

ClinVar aggregate classification (germline): Conflicting classifications of pathogenicity. Review status: criteria provided, conflicting classifications (1 of 4 stars). 3 submissions from 3 submitters: Likely pathogenic (1); Uncertain significance (2). Last evaluated 2023-06-09.

Conditions:
Hemochromatosis type 4 (HFE4). Also called: Ferroportin disease; HEMOCHROMATOSIS DUE TO DEFECT IN FERROPORTIN; HEMOCHROMATOSIS, AUTOSOMAL DOMINANT. Identifiers: Orphanet 139491, Orphanet 647834, Orphanet 648562, MedGen C1853733, MONDO:0011631, OMIM 606069.
SLC40A1-related disorder. Also called: SLC40A1-related condition.

Submissions (3):

PreventionGenetics, part of Exact Sciences
Classification: Uncertain significance for SLC40A1-related condition. Last evaluated: 2023-06-09. Review status: criteria provided, single submitter. Criteria: ACMG Guidelines, 2015. Collection method: clinical testing. Allele origin: germline.
Comment: The SLC40A1 c.238G>T variant is predicted to result in the amino acid substitution p.Gly80Cys. To our knowledge, this variant has not been reported in the literature or in a large population database, indicating this variant is rare. Two alternate missense changes at the same amino acid position, (Gly80Ser; Gly80Val), have previously been reported to be causative for hemochromatosis type 4 (Callebaut et al. 2014. PubMed ID: 24714983; Le Lan et al. 2011. PubMed ID: 21199650; McDonald et al. 2010. PubMed ID: 21094556; Cemonesi et al. 2005. PubMed ID: 16351644). Although we suspect that this variant may be pathogenic, at this time, the clinical significance of this variant is uncertain due to the absence of conclusive functional and genetic evidence.

CeGaT Center for Human Genetics Tuebingen
Classification: Likely pathogenic. Last evaluated: 2023-02-01. Review status: criteria provided, single submitter. Criteria: CeGaT Center For Human Genetics Tuebingen Variant Classification Criteria Version 2. Collection method: clinical testing. Allele origin: germline. Affected: yes. Observed: 2 variant alleles.
Comment: SLC40A1: PM1, PM2, PM5, PP3

Labcorp Genetics (formerly Invitae), Labcorp
Classification: Uncertain significance for Hemochromatosis type 4. Last evaluated: 2022-10-02. Review status: criteria provided, single submitter. Criteria: Invitae Variant Classification Sherloc (09022015). Collection method: clinical testing. Allele origin: germline.
Comment: In summary, the available evidence is currently insufficient to determine the role of this variant in disease. Therefore, it has been classified as a Variant of Uncertain Significance. This variant disrupts the p.Gly80 amino acid residue in SLC40A1. Other variant(s) that disrupt this residue have been determined to be pathogenic (PMID: 16135412, 16885049, 21094556, 21199650, 24714983). This suggests that this residue is clinically significant, and that variants that disrupt this residue are likely to be disease-causing. Advanced modeling of protein sequence and biophysical properties (such as structural, functional, and spatial information, amino acid conservation, physicochemical variation, residue mobility, and thermodynamic stability) performed at Invitae indicates that this missense variant is expected to disrupt SLC40A1 protein function. This missense change has been observed in individual(s) with hereditary hemochromatosis (Invitae). This variant is not present in population databases (gnomAD no frequency). This sequence change replaces glycine, which is neutral and non-polar, with cysteine, which is neutral and slightly polar, at codon 80 of the SLC40A1 protein (p.Gly80Cys).

Literature cited by the submitters: PubMed 16135412 (cited by Labcorp Genetics (formerly Invitae), Labcorp); PubMed 16885049 (cited by Labcorp Genetics (formerly Invitae), Labcorp); PubMed 21094556 (cited by Labcorp Genetics (formerly Invitae), Labcorp); PubMed 21199650 (cited by Labcorp Genetics (formerly Invitae), Labcorp); PubMed 24714983 (cited by Labcorp Genetics (formerly Invitae), Labcorp).

NM_014585.6(SLC40A1):c.238G>T (p.Gly80Cys)

Gene: SLC40A1 (solute carrier family 40 member 1; minus strand). Cytogenetic location: 2q32.2.
Variant type: single nucleotide variant.
Coding change: c.238G>T on transcript NM_014585.6 (MANE Select); coding-DNA position 238, G replaced by T.
Protein change: p.Gly80Cys; replaces glycine 80 with cysteine.
Molecular consequence: missense variant.
Genome position (GRCh38, 1-based): chr2:189,575,194, C>A on the plus strand (G>T on the coding strand, the complement: SLC40A1 is on the minus strand). VCF-style: chr2-189575194-C-A. GRCh37 (hg19) VCF-style: chr2-190439920-C-A.
Other names: short protein forms G80C.
Identifiers: ClinVar variation 1711522 (VCV001711522.35), dbSNP rs978427853, ClinGen allele CA349989668.